The following is an entry in ClinVar:

NM_000069.3(CACNA1S):c.5212C>T (p.Pro1738Ser)

Gene: CACNA1S (calcium voltage-gated channel subunit alpha1 S; minus strand). Cytogenetic location: 1q32.1.
Variant type: single nucleotide variant.
Coding change: c.5212C>T on transcript NM_000069.3 (MANE Select); coding-DNA position 5212, C replaced by T.
Protein change: p.Pro1738Ser; replaces proline 1738 with serine.
Molecular consequence: missense variant.
Genome position (GRCh38, 1-based): chr1:201,040,636, G>A on the plus strand (C>T on the coding strand, the complement: CACNA1S is on the minus strand). VCF-style: chr1-201040636-G-A. GRCh37 (hg19) VCF-style: chr1-201009764-G-A.
Other names: short protein forms P1738S.
Identifiers: ClinVar variation 3386275 (VCV003386275.1).

ClinVar aggregate classification (germline): Uncertain significance (1 of 4 stars; one submission).

Conditions:
Malignant hyperthermia, susceptibility to, 5 (MHS5). Also called: CACNA1S-Related Malignant Hyperthermia Susceptibility. Identifiers: Orphanet 423, MedGen C1866077, MONDO:0011163, OMIM 601887.

gnomAD v4.1: 1 of 1,613,936 alleles (0.000062%); highest among the groups gnomAD compares: Non-Finnish European, 0.000085%; no homozygotes.

Submission:

All of Us Research Program, National Institutes of Health
Classification: Uncertain significance for Malignant hyperthermia, susceptibility to, 5. Last evaluated: 2024-04-25. Review status: criteria provided, single submitter. Criteria: ACMG Guidelines, 2015. Collection method: clinical testing. Allele origin: germline. Inheritance: Autosomal dominant inheritance. Observed: 1 variant allele, 1 heterozygote.
Comment: This missense variant replaces proline with serine at codon 1738 of the CACNA1S protein. Computational prediction suggests that this variant may not impact protein structure and function (internally defined REVEL score threshold <= 0.5, PMID: 27666373). To our knowledge, functional studies have not been reported for this variant. This variant has not been reported in individuals affected with CACNA1S-related disorders in the literature. This variant has not been identified in the general population by the Genome Aggregation Database (gnomAD). The available evidence is insufficient to determine the role of this variant in disease conclusively. Therefore, this variant is classified as a Variant of Uncertain Significance.

This study involves interpretation of variants in research participants for the purpose of population health screening. Participant phenotype was not available at the time of variant classification. Additional details can be found in publication PMID: 35346344, PMCID: PMC8962531